The following is an entry in ClinVar:

ClinVar aggregate classification (germline): Pathogenic (1 of 4 stars; one submission).

Conditions:
ALG6-congenital disorder of glycosylation 1C (CDG1C). Also called: CDG Ic; CARBOHYDRATE-DEFICIENT GLYCOPROTEIN SYNDROME, TYPE I, WITH DEFICIENT GLYCOSYLATION OF DOLICHOL-LINKED OLIGOSACCHARIDE; CARBOHYDRATE-DEFICIENT GLYCOPROTEIN SYNDROME, TYPE V; Congenital disorder of glycosylation type 1C; Congenital disorder of glycosylation, type Ic. Identifiers: Orphanet 79320, MedGen C2930997, MONDO:0011291, OMIM 603147.

Submission:

Myriad Genetics, Inc.
Classification: Pathogenic for ALG6-congenital disorder of glycosylation 1C. Last evaluated: 2024-05-07. Review status: criteria provided, single submitter. Criteria: Myriad Autosomal Dominant, Autosomal Recessive and X-Linked Classification Criteria (2023). Collection method: clinical testing. Allele origin: unknown.
Comment: NM_013339.3(ALG6):c.692_701del10(L231Qfs*27) is expected to be pathogenic in the context of congenital disorder of glycosylation, ALG6-related. This variant is predicted to lead to an abnormal or absent protein product due to the creation of a premature termination codon in ALG6, a gene where loss-of-function variants are known to be pathogenic. Please note: this variant was assessed in the context of healthy population screening.

NM_013339.4(ALG6):c.692_701del (p.Leu231fs)

Gene: ALG6 (ALG6 alpha-1,3-glucosyltransferase; plus strand). Cytogenetic location: 1p31.3.
Variant type: Deletion.
Coding change: c.692_701del on transcript NM_013339.4 (MANE Select); coding-DNA positions 692 to 701, 10 bases deleted (TAGTTAAGCT; older notation c.692_701delTAGTTAAGCT).
Protein change: p.Leu231fs; shifts the reading frame from leucine 231.
Molecular consequence: frameshift variant.
Genome position (GRCh38, 1-based): chr1:63,411,937-63,411,946, TAGTTAAGCT deleted. VCF-style (leftmost placement, unchanged base first): chr1-63411936-CTAGTTAAGCT-C. GRCh37 (hg19) VCF-style: chr1-63877607-CTAGTTAAGCT-C.
Other names: short protein forms L231fs.
Identifiers: ClinVar variation 5013015 (VCV005013015.1).